The following is an entry in ClinVar:

NM_004211.5(SLC6A5):c.2114A>T (p.Tyr705Phe)

Gene: SLC6A5 (solute carrier family 6 member 5; plus strand). Cytogenetic location: 11p15.1.
Variant type: single nucleotide variant.
Coding change: c.2114A>T on transcript NM_004211.5 (MANE Select); coding-DNA position 2114, A replaced by T.
Protein change: p.Tyr705Phe; replaces tyrosine 705 with phenylalanine.
Molecular consequence: missense variant.
Genome position (GRCh38, 1-based): chr11:20,652,332, A>T. VCF-style: chr11-20652332-A-T. GRCh37 (hg19) VCF-style: chr11-20673878-A-T.
Other names: c.1412A>T, p.Tyr471Phe (NM_001318369.2); short protein forms Y471F, Y705F.
Identifiers: ClinVar variation 2016600 (VCV002016600.1), dbSNP rs143918578, ClinGen allele CA379915958.

ClinVar aggregate classification (germline): Uncertain significance (1 of 4 stars; one submission).

Conditions:
Hyperekplexia 3 (HKPX3). Also called: HYPEREKPLEXIA 3, AUTOSOMAL RECESSIVE; HYPEREKPLEXIA 3, AUTOSOMAL DOMINANT. Identifiers: Orphanet 3197, MedGen C3553288, MONDO:0013827, OMIM 614618.

gnomAD v4.1: 2 of 1,614,032 alleles (0.00012%); highest among the groups gnomAD compares: African/African-American, 0.0027%; no homozygotes.

Submission:

Labcorp Genetics (formerly Invitae), Labcorp
Classification: Uncertain significance for Hyperekplexia 3. Last evaluated: 2022-07-13. Review status: criteria provided, single submitter. Criteria: Invitae Variant Classification Sherloc (09022015). Collection method: clinical testing. Allele origin: germline.
Comment: This sequence change replaces tyrosine, which is neutral and polar, with phenylalanine, which is neutral and non-polar, at codon 705 of the SLC6A5 protein (p.Tyr705Phe). This variant is not present in population databases (gnomAD no frequency). This variant has not been reported in the literature in individuals affected with SLC6A5-related conditions. Algorithms developed to predict the effect of missense changes on protein structure and function are either unavailable or do not agree on the potential impact of this missense change (SIFT: "Deleterious"; PolyPhen-2: "Possibly Damaging"; Align-GVGD: "Class C15"). Experimental studies have shown that this missense change does not substantially affect SLC6A5 function (PMID: 22753417). In summary, the available evidence is currently insufficient to determine the role of this variant in disease. Therefore, it has been classified as a Variant of Uncertain Significance.

Literature cited by the submitters: PubMed 22753417.